The following is an entry in ClinVar:

NM_001348716.2(KDM6B):c.3698C>T (p.Thr1233Ile)

Genes: KDM6B (lysine demethylase 6B; plus strand), LOC121587574 (Sharpr-MPRA regulatory region 3930; plus strand). Cytogenetic location: 17p13.1.
Variant type: single nucleotide variant.
Coding change: c.3698C>T on transcript NM_001348716.2 (MANE Select); coding-DNA position 3698, C replaced by T.
Protein change: p.Thr1233Ile; replaces threonine 1233 with isoleucine.
Molecular consequence: missense variant.
Genome position (GRCh38, 1-based): chr17:7,851,045, C>T. VCF-style: chr17-7851045-C-T. GRCh37 (hg19) VCF-style: chr17-7754363-C-T.
Other names: c.3698C>T, p.Thr1233Ile (NM_001080424.2); short protein forms T1233I.
Identifiers: ClinVar variation 4536163 (VCV004536163.1).

ClinVar aggregate classification (germline): Uncertain significance (1 of 4 stars; one submission).

gnomAD v4.1: 1 of 1,611,484 alleles (0.000062%); highest among the groups gnomAD compares: Non-Finnish European, 0.000085%; no homozygotes.

Submission:

GeneDx
Classification: Uncertain significance. Last evaluated: 2025-06-04. Review status: criteria provided, single submitter. Criteria: GeneDx Variant Classification Process June 2021. Collection method: clinical testing. Allele origin: germline. Affected: yes.
Comment: Not observed at significant frequency in large population cohorts (gnomAD); In silico analysis supports that this missense variant has a deleterious effect on protein structure/function; Has not been previously published as pathogenic or benign to our knowledge